The following is an entry in ClinVar:

ClinVar aggregate classification (germline): Uncertain significance (1 of 4 stars; one submission).

Allele frequency attached by ClinVar (database versions not stated): gnomAD 0.00001; gnomAD exomes 0.00003; 1000 Genomes Project 30x 0.00016; 1000 Genomes Project 0.00020; ExAC 0.00036.
gnomAD v4.1: 41 of 1,533,554 alleles (0.0027%); highest among the groups gnomAD compares: South Asian, 0.047%; no homozygotes.

Submission:

Labcorp Genetics (formerly Invitae), Labcorp
Classification: Uncertain significance. Last evaluated: 2024-01-23. Review status: criteria provided, single submitter. Criteria: Invitae Variant Classification Sherloc (09022015). Collection method: clinical testing. Allele origin: germline.
Comment: This sequence change replaces threonine, which is neutral and polar, with alanine, which is neutral and non-polar, at codon 300 of the FSCN2 protein (p.Thr300Ala). This variant is present in population databases (rs542647772, gnomAD 0.06%). This variant has not been reported in the literature in individuals affected with FSCN2-related conditions. An algorithm developed to predict the effect of missense changes on protein structure and function (PolyPhen-2) suggests that this variant is likely to be disruptive. In summary, the available evidence is currently insufficient to determine the role of this variant in disease. Therefore, it has been classified as a Variant of Uncertain Significance.

NM_012418.4(FSCN2):c.898A>G (p.Thr300Ala)

Gene: FSCN2 (fascin actin-bundling protein 2, retinal; plus strand). Cytogenetic location: 17q25.3.
Variant type: single nucleotide variant.
Coding change: c.898A>G on transcript NM_012418.4 (MANE Select); coding-DNA position 898, A replaced by G.
Protein change: p.Thr300Ala; replaces threonine 300 with alanine.
Molecular consequence: missense variant.
Genome position (GRCh38, 1-based): chr17:81,535,123, A>G. VCF-style: chr17-81535123-A-G. GRCh37 (hg19) VCF-style: chr17-79502149-A-G.
Other names: c.898A>G, p.Thr300Ala (NM_001077182.3); short protein forms T300A.
Identifiers: ClinVar variation 2870773 (VCV002870773.3), dbSNP rs542647772, ClinGen allele CA8836898.